The following is an entry in ClinVar:

NM_000629.3(IFNAR1):c.501_503del (p.Leu167_Val168delinsPhe)

Gene: IFNAR1 (interferon alpha and beta receptor subunit 1; plus strand). Cytogenetic location: 21q22.11.
Variant type: Deletion.
Coding change: c.501_503del on transcript NM_000629.3 (MANE Select); coding-DNA positions 501 to 503, 3 bases deleted (AGT; older notation c.501_503delAGT).
Protein change: p.Leu167_Val168delinsPhe.
Molecular consequence: inframe indel. On other transcripts: 5 prime UTR variant (1).
Genome position (GRCh38, 1-based): chr21:33,343,392-33,343,394, AGT deleted; deleting any 3 consecutive bases within chr21:33,343,391-33,343,394 gives the same sequence; the c. name uses the placement nearest the transcript's 3' end. VCF-style (leftmost placement, unchanged base first): chr21-33343390-TTAG-T. GRCh37 (hg19) VCF-style: chr21-34715696-TTAG-T.
Other names: c.501_503del, p.Leu167_Val168delinsPhe (NM_001384498.1, NM_001384499.1, NM_001384501.1 and 1 more transcripts); c.-286_-284del (NM_001384500.1); c.39_41del, p.Leu13_Val14delinsPhe (NM_001384502.1); c.294_296del, p.Leu98_Val99delinsPhe (NM_001384504.1).
Identifiers: ClinVar variation 1414935 (VCV001414935.6), dbSNP rs961957868, ClinGen allele CA320145066.

ClinVar aggregate classification (germline): Uncertain significance (1 of 4 stars; one submission).

Submission:

Labcorp Genetics (formerly Invitae), Labcorp
Classification: Uncertain significance. Last evaluated: 2021-08-09. Review status: criteria provided, single submitter. Criteria: Invitae Variant Classification Sherloc (09022015). Collection method: clinical testing. Allele origin: germline.
Comment: In summary, the available evidence is currently insufficient to determine the role of this variant in disease. Therefore, it has been classified as a Variant of Uncertain Significance. Experimental studies and prediction algorithms are not available or were not evaluated, and the functional significance of this variant is currently unknown. This variant has not been reported in the literature in individuals affected with IFNAR1-related conditions. This variant is not present in population databases (ExAC no frequency). This variant, c.501_503del, results in the deletion of 2 and insertion of 1 amino acid(s) of the IFNAR1 protein (p.Leu167_Val168delinsPhe), but otherwise preserves the integrity of the reading frame.